The following is an entry in ClinVar:

NM_007129.5(ZIC2):c.1012C>T (p.Pro338Ser)

Gene: ZIC2 (Zic family zinc finger 2; plus strand). Cytogenetic location: 13q32.3.
Variant type: single nucleotide variant.
Coding change: c.1012C>T on transcript NM_007129.5 (MANE Select); coding-DNA position 1012, C replaced by T.
Protein change: p.Pro338Ser; replaces proline 338 with serine.
Molecular consequence: missense variant.
Genome position (GRCh38, 1-based): chr13:99,983,076, C>T. VCF-style: chr13-99983076-C-T. GRCh37 (hg19) VCF-style: chr13-100635330-C-T.
Other names: short protein forms P338S.
Identifiers: ClinVar variation 2200794 (VCV002200794.4), dbSNP rs769914869, ClinGen allele CA7032874.

ClinVar aggregate classification (germline): Uncertain significance (1 of 4 stars; one submission).

Conditions:
Holoprosencephaly 5 (HPE5). Identifiers: Orphanet 2162, MedGen C1864827, MONDO:0012322, OMIM 609637.

Allele frequency attached by ClinVar (database versions not stated): ExAC 0.00001; gnomAD exomes 0.00001.

Submission:

Labcorp Genetics (formerly Invitae), Labcorp
Classification: Uncertain significance for Holoprosencephaly 5. Last evaluated: 2022-08-31. Review status: criteria provided, single submitter. Criteria: Invitae Variant Classification Sherloc (09022015). Collection method: clinical testing. Allele origin: germline.
Comment: In summary, the available evidence is currently insufficient to determine the role of this variant in disease. Therefore, it has been classified as a Variant of Uncertain Significance. Algorithms developed to predict the effect of missense changes on protein structure and function are either unavailable or do not agree on the potential impact of this missense change (SIFT: "Deleterious"; PolyPhen-2: "Benign"; Align-GVGD: "Class C65"). This variant has not been reported in the literature in individuals affected with ZIC2-related conditions. This variant is present in population databases (rs769914869, gnomAD 0.0009%). This sequence change replaces proline, which is neutral and non-polar, with serine, which is neutral and polar, at codon 338 of the ZIC2 protein (p.Pro338Ser).